The following is an entry in ClinVar:

ClinVar aggregate classification (germline): not provided (0 of 4 stars; one submission).

Conditions:
Gestational diabetes mellitus uncontrolled. Identifiers: MedGen C3532257.

Submission:

Institute of Molecular and Cell Biology, University of Tartu
No classification provided. Condition: Gestational diabetes mellitus uncontrolled. Review status: no classification provided. Collection method: case-control. Allele origin: unknown. Affected: yes. Study: Kasak2014.
Comment: The study aimed to determine the contribution of copy number variants in the genetic etiology of normal and complicated pregnancies. The samples represented (i) maternal blood DNA drawn from healthy pregnant women during 1st or 2nd trimester and (ii) maternal and paternal blood DNA drawn at term pregnancy cases representing normal and complicated gestations (severe preeclampsia, PE; gestational diabetes, GD; small-for-gestational age newborn, SGA; large-for-gestational age newborn, LGA). We performed CNV calling based on genome-wide genotyping dataset (Illumina HumanOmniExpress-24-v1 BeadChip) by applying three algorithms, QuantiSNP, GADA (Genome Alteration Detection Algorithm) and CNstream in parallel. The acquired CNV calls were merged with HD-CNV (Hotspot Detector for Copy Number Variants) program and only the CNVs predicted by at least two programs, were considered in subsequent analysis.

Literature cited by the submitters: PubMed 25666259.

Single allele

Gene: FAM110C (family with sequence similarity 110 member C; minus strand). Cytogenetic location: 2p25.3.
Variant type: Duplication.
Identifiers: ClinVar variation 156776 (VCV000156776.2).